The following is an entry in ClinVar:

ClinVar aggregate classification (germline): Uncertain significance (1 of 4 stars; one submission).

Conditions:
Rhabdoid tumor predisposition syndrome 2 (RTPS2). Identifiers: Orphanet 231108, Orphanet 69077, MedGen C2750074, MONDO:0013224, OMIM 613325.

Allele frequency attached by ClinVar (database versions not stated): gnomAD exomes below 0.00001; TOPMed 0.00001.
gnomAD v4.1: 1 of 1,612,092 alleles (0.000062%); highest among the groups gnomAD compares: Non-Finnish European, 0.000085%; no homozygotes.

Submission:

Labcorp Genetics (formerly Invitae), Labcorp
Classification: Uncertain significance for Rhabdoid tumor predisposition syndrome 2. Last evaluated: 2024-10-15. Review status: criteria provided, single submitter. Criteria: Invitae Variant Classification Sherloc (09022015). Collection method: clinical testing. Allele origin: germline.
Comment: This sequence change falls in intron 6 of the SMARCA4 gene. It does not directly change the encoded amino acid sequence of the SMARCA4 protein. It affects a nucleotide within the consensus splice site. This variant is not present in population databases (gnomAD no frequency). This variant has not been reported in the literature in individuals affected with SMARCA4-related conditions. ClinVar contains an entry for this variant (Variation ID: 853855). Variants that disrupt the consensus splice site are a relatively common cause of aberrant splicing (PMID: 17576681, 9536098). Algorithms developed to predict the effect of sequence changes on RNA splicing suggest that this variant is not likely to affect RNA splicing. In summary, the available evidence is currently insufficient to determine the role of this variant in disease. Therefore, it has been classified as a Variant of Uncertain Significance.

Literature cited by the submitters: PubMed 17576681; PubMed 9536098.

NM_003072.5(SMARCA4):c.1118+6G>A

Gene: SMARCA4 (SWI/SNF related BAF chromatin remodeling complex subunit ATPase 4; plus strand). Cytogenetic location: 19p13.2.
Variant type: single nucleotide variant.
Coding change: c.1118+6G>A on transcript NM_003072.5 (MANE Select); 6 bases into the intron after coding-DNA position 1118, G replaced by A.
Molecular consequence: intron variant.
Genome position (GRCh38, 1-based): chr19:10,987,930, G>A. VCF-style: chr19-10987930-G-A. GRCh37 (hg19) VCF-style: chr19-11098606-G-A.
Other names: c.1118+6G>A (NM_001128844.3, NM_001128849.3, NM_001128847.4 and 4 more transcripts).
Identifiers: ClinVar variation 853855 (VCV000853855.9), dbSNP rs1471938505, ClinGen allele CA631768730.